The following is an entry in ClinVar:

NM_000368.5(TSC1):c.3145G>C (p.Glu1049Gln)

Gene: TSC1 (TSC complex subunit 1; minus strand). Cytogenetic location: 9q34.13.
Variant type: single nucleotide variant.
Coding change: c.3145G>C on transcript NM_000368.5 (MANE Select); coding-DNA position 3145, G replaced by C.
Protein change: p.Glu1049Gln; replaces glutamic acid 1049 with glutamine.
Molecular consequence: missense variant. On other transcripts: non-coding transcript variant (5).
Genome position (GRCh38, 1-based): chr9:132,896,585, C>G on the plus strand (G>C on the coding strand, the complement: TSC1 is on the minus strand). VCF-style: chr9-132896585-C-G. GRCh37 (hg19) VCF-style: chr9-135771972-C-G.
Other names: c.2779G>C, p.Glu927Gln (NM_001406620.1, NM_001406621.1, NM_001406622.1 and 1 more transcripts); c.2740G>C, p.Glu914Gln (NM_001406624.1); c.2737G>C, p.Glu913Gln (NM_001406625.1); c.2194G>C, p.Glu732Gln (NM_001406626.1); c.2191G>C, p.Glu731Gln (NM_001406627.1, NM_001406628.1); c.2092G>C, p.Glu698Gln (NM_001406629.1, NM_001406630.1); c.3142G>C, p.Glu1048Gln (NM_001162426.2, NM_001406597.1, NM_001406598.1 and 2 more transcripts); c.2992G>C, p.Glu998Gln (NM_001162427.2, NM_001406610.1); and 8 more; short protein forms E1035Q, E1048Q, E1049Q, E698Q, E732Q, E983Q, E1044Q, E731Q.
Identifiers: ClinVar variation 4709616 (VCV004709616.1).

ClinVar aggregate classification (germline): Uncertain significance (1 of 4 stars; one submission).

Conditions:
Tuberous sclerosis 1 (TSC1). Identifiers: Orphanet 805, MedGen C1854465, MONDO:0008612, OMIM 191100.

Submission:

Labcorp Genetics (formerly Invitae), Labcorp
Classification: Uncertain significance for Tuberous sclerosis 1. Last evaluated: 2025-08-31. Review status: criteria provided, single submitter. Criteria: Invitae Variant Classification Sherloc (09022015). Collection method: clinical testing. Allele origin: germline.
Comment: This sequence change replaces glutamic acid, which is acidic and polar, with glutamine, which is neutral and polar, at codon 1049 of the TSC1 protein (p.Glu1049Gln). This variant is not present in population databases (gnomAD no frequency). This variant has not been reported in the literature in individuals affected with TSC1-related conditions. Invitae Evidence Modeling of protein sequence and biophysical properties (such as structural, functional, and spatial information, amino acid conservation, physicochemical variation, residue mobility, and thermodynamic stability) indicates that this missense variant is not expected to disrupt TSC1 protein function with a negative predictive value of 95%. In summary, the available evidence is currently insufficient to determine the role of this variant in disease. Therefore, it has been classified as a Variant of Uncertain Significance.